The following is an entry in ClinVar:

NM_000051.4(ATM):c.6139G>C (p.Val2047Leu)

Genes: ATM (ATM serine/threonine kinase; plus strand), C11orf65 (chromosome 11 open reading frame 65; minus strand). Cytogenetic location: 11q22.3.
Variant type: single nucleotide variant.
Coding change: c.6139G>C on transcript NM_000051.4 (MANE Select); coding-DNA position 6139, G replaced by C.
Protein change: p.Val2047Leu; replaces valine 2047 with leucine.
Molecular consequence: missense variant. On other transcripts: intron variant (2).
Genome position (GRCh38, 1-based): chr11:108,316,054, G>C. VCF-style: chr11-108316054-G-C. GRCh37 (hg19) VCF-style: chr11-108186781-G-C.
Other names: c.6139G>C, p.Val2047Leu (NM_001351834.2); c.641-6983C>G (NM_001330368.2); c.*39-6983C>G (NM_001351110.2); short protein forms V2047L.
Identifiers: ClinVar variation 826199 (VCV000826199.6), dbSNP rs1591778897, ClinGen allele CA382550518.

ClinVar aggregate classification (germline): Uncertain significance (1 of 4 stars; one submission).

Conditions:
Hereditary cancer-predisposing syndrome. Also called: Tumor predisposition; Neoplastic Syndromes, Hereditary; Hereditary Cancer Syndrome; Hereditary neoplastic syndrome. Identifiers: Orphanet 140162, MedGen C0027672, MeSH D009386, MONDO:0015356.

Allele frequency attached by ClinVar (database versions not stated): gnomAD exomes below 0.00001.
gnomAD v4.1: 1 of 1,614,158 alleles (0.000062%); highest among the groups gnomAD compares: Non-Finnish European, 0.000085%; no homozygotes.

Submission:

Ambry Genetics
Classification: Uncertain significance for Hereditary cancer-predisposing syndrome. Last evaluated: 2019-03-12. Review status: criteria provided, single submitter. Criteria: Ambry Variant Classification Scheme 2023. Collection method: clinical testing. Allele origin: germline.
Comment: The p.V2047L variant (also known as c.6139G>C), located in coding exon 41 of the ATM gene, results from a G to C substitution at nucleotide position 6139. The valine at codon 2047 is replaced by leucine, an amino acid with highly similar properties. This amino acid position is not well conserved in available vertebrate species. In addition, this alteration is predicted to be tolerated by in silico analysis. Since supporting evidence is limited at this time, the clinical significance of this alteration remains unclear.